The following is an entry in ClinVar:

ClinVar aggregate classification (germline): Uncertain significance (1 of 4 stars; one submission).

Conditions:
Hereditary cancer-predisposing syndrome. Also called: Neoplastic Syndromes, Hereditary; Tumor predisposition; Hereditary Cancer Syndrome; Hereditary neoplastic syndrome. Identifiers: Orphanet 140162, MedGen C0027672, MeSH D009386, MONDO:0015356.

gnomAD v4.1: 1 of 1,613,864 alleles (0.000062%); highest among the groups gnomAD compares: Non-Finnish European, 0.000085%; no homozygotes.

Submission:

Ambry Genetics
Classification: Uncertain significance for Hereditary cancer-predisposing syndrome. Last evaluated: 2025-08-15. Review status: criteria provided, single submitter. Criteria: Ambry Variant Classification Scheme 2023. Collection method: clinical testing. Allele origin: germline.
Comment: The p.N822I variant (also known as c.2465A>T), located in coding exon 9 of the BRCA1 gene, results from an A to T substitution at nucleotide position 2465. The asparagine at codon 822 is replaced by isoleucine, an amino acid with dissimilar properties. This amino acid position is conserved. In addition, this alteration is predicted to be tolerated by in silico analysis. Based on the available evidence, the clinical significance of this variant remains unclear.

NM_007294.4(BRCA1):c.2465A>T (p.Asn822Ile)

Gene: BRCA1 (BRCA1 DNA repair associated; minus strand). Cytogenetic location: 17q21.31.
Variant type: single nucleotide variant.
Coding change: c.2465A>T on transcript NM_007294.4 (MANE Select); coding-DNA position 2465, A replaced by T.
Protein change: p.Asn822Ile; replaces asparagine 822 with isoleucine.
Molecular consequence: missense variant. On other transcripts: intron variant (137).
Genome position (GRCh38, 1-based): chr17:43,093,066, T>A on the plus strand (A>T on the coding strand, the complement: BRCA1 is on the minus strand). VCF-style: chr17-43093066-T-A. GRCh37 (hg19) VCF-style: chr17-41245083-T-A.
Other names: c.2462A>T, p.Asn821Ile (NM_001407610.1, NM_001407611.1, NM_001407612.1 and 22 more transcripts); c.2465A>T, p.Asn822Ile (NM_001407616.1, NM_001407617.1, NM_001407618.1 and 30 more transcripts); c.2339A>T, p.Asn780Ile (NM_001407649.1, NM_001407688.1, NM_001407689.1 and 11 more transcripts); c.2387A>T, p.Asn796Ile (NM_001407653.1, NM_001407654.1, NM_001407655.1 and 4 more transcripts); c.2384A>T, p.Asn795Ile (NM_001407659.1, NM_001407660.1, NM_001407661.1 and 1 more transcripts); c.2324A>T, p.Asn775Ile (NM_001407692.1, NM_001407694.1, NM_001407695.1 and 29 more transcripts); c.2321A>T, p.Asn774Ile (NM_001407740.1, NM_001407741.1, NM_001407742.1 and 20 more transcripts); c.2264A>T, p.Asn755Ile (NM_001407862.1); and 41 more; short protein forms N526I, N710I, N733I, N754I, N775I, N796I, N654I, N694I.
Identifiers: ClinVar variation 4215114 (VCV004215114.1).